The following is an entry in ClinVar:

ClinVar aggregate classification (germline): Uncertain significance. Review status: criteria provided, multiple submitters, no conflicts (2 of 4 stars). 2 submissions from 2 submitters: Uncertain significance (2). Last evaluated 2025-04-12.

Allele frequency attached by ClinVar (database versions not stated): TOPMed 0.00022; ESP Exome Variant Server 0.00023; ExAC 0.00026; gnomAD exomes 0.00005; gnomAD 0.00013.
gnomAD v4.1: 87 of 1,573,596 alleles (0.0055%); highest among the groups gnomAD compares: African/African-American, 0.038%; no homozygotes.

Submissions (2):

Ambry Genetics
Classification: Uncertain significance. Last evaluated: 2025-04-12. Review status: criteria provided, single submitter. Criteria: Ambry Variant Classification Scheme 2023. Collection method: clinical testing. Allele origin: germline.

Labcorp Genetics (formerly Invitae), Labcorp
Classification: Uncertain significance. Last evaluated: 2024-09-05. Review status: criteria provided, single submitter. Criteria: Invitae Variant Classification Sherloc (09022015). Collection method: clinical testing. Allele origin: germline.
Comment: This sequence change replaces arginine, which is basic and polar, with histidine, which is basic and polar, at codon 169 of the EXOC3L2 protein (p.Arg169His). This variant is present in population databases (rs145422378, gnomAD 0.04%). This variant has not been reported in the literature in individuals affected with EXOC3L2-related conditions. ClinVar contains an entry for this variant (Variation ID: 2076808). An algorithm developed to predict the effect of missense changes on protein structure and function (PolyPhen-2) suggests that this variant is likely to be tolerated. In summary, the available evidence is currently insufficient to determine the role of this variant in disease. Therefore, it has been classified as a Variant of Uncertain Significance.

NM_001382422.1(EXOC3L2):c.1685G>A (p.Arg562His)

Gene: EXOC3L2 (exocyst complex component 3 like 2; minus strand). Cytogenetic location: 19q13.32.
Variant type: single nucleotide variant.
Coding change: c.1685G>A on transcript NM_001382422.1 (MANE Select); coding-DNA position 1685, G replaced by A.
Protein change: p.Arg562His; replaces arginine 562 with histidine.
Molecular consequence: missense variant.
Genome position (GRCh38, 1-based): chr19:45,224,812, C>T on the plus strand (G>A on the coding strand, the complement: EXOC3L2 is on the minus strand). VCF-style: chr19-45224812-C-T. GRCh37 (hg19) VCF-style: chr19-45728070-C-T.
Other names: NM_138568.3:c.506G>A; short protein forms R562H.
Identifiers: ClinVar variation 2076808 (VCV002076808.6), dbSNP rs145422378, ClinGen allele CA9510541.
Genomic context (GRCh38, chr19:45,224,812, plus strand): 5'-CAACCCTGGCCTCCCACCTCACTCACCTGCAGCTCCTGGAACAGCAGGTTGGCCACGACA[C>T]GGTGGCAGAGCCGGGTCACATGGTCCAGAGCACTAGCAGATGCTTCCCGGGCCGGCTCGC-3'
Protein context (NP_001369351.1, residues 552-572): ALDHVTRLCH[Arg562His]VVANLLFQEL